The following is an entry in ClinVar:

NM_001367479.1(DNAH14):c.11350_11352del (p.Trp3784del)

Gene: DNAH14 (dynein axonemal heavy chain 14; plus strand). Cytogenetic location: 1q42.12.
Variant type: Deletion.
Coding change: c.11350_11352del on transcript NM_001367479.1 (MANE Select); coding-DNA positions 11350 to 11352, 3 bases deleted (TGG; older notation c.11350_11352delTGG).
Protein change: p.Trp3784del; deletes tryptophan 3784.
Molecular consequence: inframe deletion.
Genome position (GRCh38, 1-based): chr1:225,351,700-225,351,702, TGG deleted; deleting any 3 consecutive bases within chr1:225,351,698-225,351,702 gives the same sequence; the c. name uses the placement nearest the transcript's 3' end. VCF-style (leftmost placement, unchanged base first): chr1-225351697-AGGT-A. GRCh37 (hg19) VCF-style: chr1-225539399-AGGT-A.
Other names: NM_001373.1:c.11071_11073del; short protein forms W3784del.
Identifiers: ClinVar variation 2578207 (VCV002578207.1), dbSNP rs771720906, ClinGen allele CA38506599.

ClinVar aggregate classification (germline): Uncertain significance (1 of 4 stars; one submission).

Submission:

GeneDx
Classification: Uncertain significance. Last evaluated: 2023-03-04. Review status: criteria provided, single submitter. Criteria: GeneDx Variant Classification Process June 2021. Collection method: clinical testing. Allele origin: germline. Affected: yes.
Comment: In-frame deletion of 1 amino acid in a non-repeat region; In silico analysis supports a deleterious effect on protein structure/function; Has not been previously published as pathogenic or benign to our knowledge